The following is an entry in ClinVar:

NM_025114.4(CEP290):c.6232C>T (p.Gln2078Ter)

Gene: CEP290 (centrosomal protein 290; minus strand). Cytogenetic location: 12q21.32.
Variant type: single nucleotide variant.
Coding change: c.6232C>T on transcript NM_025114.4 (MANE Select); coding-DNA position 6232, C replaced by T.
Protein change: p.Gln2078Ter; replaces glutamine 2078 with a stop codon.
Molecular consequence: nonsense.
Genome position (GRCh38, 1-based): chr12:88,064,019, G>A on the plus strand (C>T on the coding strand, the complement: CEP290 is on the minus strand). VCF-style: chr12-88064019-G-A. GRCh37 (hg19) VCF-style: chr12-88457796-G-A.
Other names: short protein forms Q2078*.
Identifiers: ClinVar variation 4991145 (VCV004991145.2).

ClinVar aggregate classification (germline): Pathogenic/Likely pathogenic. Review status: criteria provided, multiple submitters, no conflicts (2 of 4 stars). 2 submissions from 2 submitters: Pathogenic (1); Likely pathogenic (1). Last evaluated 2026-02-08.

Conditions:
CEP290-related ciliopathy. Also called: CEP290 ciliopathy. Identifiers: MedGen CN305601, MONDO:0100451.
CEP290-related disorder. Also called: CEP290-related condition; CEP290-related disorders. Identifiers: MedGen CN239314.

gnomAD v4.1: 2 of 1,598,344 alleles (0.00013%); highest among the groups gnomAD compares: Non-Finnish European, 0.00017%; no homozygotes.

Submissions (2):

Myriad Genetics, Inc.
Classification: Pathogenic for CEP290-related ciliopathy. Last evaluated: 2026-02-08. Review status: criteria provided, single submitter. Criteria: Myriad Autosomal Dominant, Autosomal Recessive and X-Linked Classification Criteria (2023). Collection method: clinical testing. Allele origin: unknown.
Comment: NM_025114.3(CEP290):c.6232C>T(Q2078*) is expected to be pathogenic in the context of CEP290-related disorders. This variant is predicted to lead to an abnormal or absent protein product due to the creation of a premature termination codon in CEP290, a gene where loss-of-function variants are known to be pathogenic. Please note: this variant was assessed in the context of healthy population screening.

PreventionGenetics, part of Exact Sciences
Classification: Likely pathogenic for CEP290-related condition. Last evaluated: 2025-08-29. Review status: criteria provided, single submitter. Criteria: ACMG Guidelines, 2015. Collection method: clinical testing. Allele origin: germline.
Comment: The CEP290 c.6232C>T variant is predicted to result in premature protein termination (p.Gln2078*). To our knowledge, this variant has not been reported in the literature or in a large population database (gnomAD), indicating this variant is rare. Nonsense variants in CEP290 are expected to be pathogenic. This variant is interpreted as likely pathogenic.